The following is an entry in ClinVar:

ClinVar aggregate classification (germline): Uncertain significance (1 of 4 stars; one submission).

Conditions:
Familial adenomatous polyposis 1 (FAP1). Also called: FAMILIAL ADENOMATOUS POLYPOSIS 1, ATTENUATED; POLYPOSIS, ADENOMATOUS INTESTINAL. Identifiers: MedGen C2713442, MONDO:0021056, OMIM 175100. Disease mechanism: loss of function.

Submission:

Labcorp Genetics (formerly Invitae), Labcorp
Classification: Uncertain significance for Familial adenomatous polyposis 1. Last evaluated: 2022-01-15. Review status: criteria provided, single submitter. Criteria: Invitae Variant Classification Sherloc (09022015). Collection method: clinical testing. Allele origin: germline.
Comment: This variant is not present in population databases (gnomAD no frequency). This variant occurs in a non-coding region of the APC gene. It does not change the encoded amino acid sequence of the APC protein. Experimental studies and prediction algorithms are not available or were not evaluated, and the functional significance of this variant is currently unknown. In summary, the available evidence is currently insufficient to determine the role of this variant in disease. Therefore, it has been classified as a Variant of Uncertain Significance. This variant has not been reported in the literature in individuals affected with APC-related conditions.

NM_001127511.3(APC):c.-100G>A

Gene: APC (APC regulator of Wnt signaling pathway; plus strand). Cytogenetic location: 5q22.2.
Variant type: single nucleotide variant.
Coding change: c.-100G>A on transcript NM_001127511.3; 100 bases upstream of the start codon, G replaced by A.
Molecular consequence: 5 prime UTR variant. On other transcripts: non-coding transcript variant (2).
Genome position (GRCh38, 1-based): chr5:112,707,618, G>A. VCF-style: chr5-112707618-G-A. GRCh37 (hg19) VCF-style: chr5-112043315-G-A.
Other names: c.-283G>A (NM_001354895.2, NM_001407447.1, NM_001407452.1 and 3 more transcripts); c.-100G>A (NM_001354897.2, NM_001354902.2, NM_001407446.1); c.-50G>A (NM_001407448.1, NM_001407450.1, NM_001407457.1 and 1 more transcripts); c.-74G>A (NM_001407453.1); c.-1318G>A (NM_001407470.1, NM_001407472.1).
Identifiers: ClinVar variation 1516444 (VCV001516444.7), dbSNP rs2149629823, ClinGen allele CA2573138785.
Genomic context (GRCh38, chr5:112,707,618, plus strand): 5'-GTGGCCGCCGGAAGCCTAGCCGCTGCTCGGGGGGGACCTGCGGGCTCAGGCCCGGGAGCT[G>A]CGGACCGAGGTTGGCTCGATGCTGTTCCCAGGTACTGTTGTTGGCTGTTGGTGAGGAAGG-3'